The following is an entry in ClinVar:

ClinVar aggregate classification (germline): Pathogenic (1 of 4 stars; one submission).

Conditions:
Hereditary pancreatitis (PCTT). Also called: Hereditary chronic pancreatitis; PRSS1-Related Hereditary Pancreatitis. Identifiers: Orphanet 676, MedGen C0238339, MONDO:0008185, OMIM 167800.

Submission:

Labcorp Genetics (formerly Invitae), Labcorp
Classification: Pathogenic for Hereditary pancreatitis. Last evaluated: 2016-02-07. Review status: criteria provided, single submitter. Criteria: Invitae Variant Classification Sherloc (09022015). Collection method: clinical testing. Allele origin: germline.
Comment: A gross duplication of the genomic region encompassing the full coding sequence of the PRSS1 gene has been identified. The boundaries of this event are unknown as the duplication extends beyond the assayed region for this gene and therefore may encompass additional genes. As the precise location of this duplication is unknown, it may be in tandem or it may be located elsewhere in the genome. Copy number gains of the entire PRSS1 gene, including both triplications and duplications, have been reported in ~6% of patients with chronic pancreatitis (CP) and increased gene dosage of PRSS1 is consistent with current understanding of CP etiology (PMID: 17072318, 18063422, 19584086, 19453252). For these reason, this duplication has been classified as Pathogenic.

NC_000007.13:g.(?_142457330)_(142460424_?)dup

Genes: PRSS1 (serine protease 1; plus strand), TRB (T cell receptor beta locus; plus strand). Cytogenetic location: 7q34.
Variant type: Duplication.
Identifiers: ClinVar variation 267330 (VCV000267330.1).